The following is an entry in ClinVar:

NM_016464.5(TMEM138):c.261G>A (p.Val87=)

Gene: TMEM138 (transmembrane protein 138; plus strand). Cytogenetic location: 11q12.2.
Variant type: single nucleotide variant.
Coding change: c.261G>A on transcript NM_016464.5 (MANE Select); coding-DNA position 261, G replaced by A.
Protein change: p.Val87=; no amino-acid change (valine 87 retained).
Molecular consequence: synonymous variant. On other transcripts: non-coding transcript variant (1).
Genome position (GRCh38, 1-based): chr11:61,366,177, G>A. VCF-style: chr11-61366177-G-A. GRCh37 (hg19) VCF-style: chr11-61133649-G-A.
Other names: p.V87V:GTG>GTA; p.Val87=; c.87G>A, p.Val29= (NM_001330281.2).
Identifiers: ClinVar variation 130586 (VCV000130586.23), dbSNP rs35245221, ClinGen allele CA155712.
Genomic context (GRCh38, chr11:61,366,177, plus strand): 5'-GGCTGGCCTGGTCAACCTCCTATTCCATAAGTTCAAAGGGACCATCATCCTGACAGCTGT[G>A]TACTTTGCCCTCAGCATCTCCCTTCATGTCTGGGTCATGGTAAGAGTGGCAGTCTGAATT-3'
Protein context (NP_057548.1, residues 77-97): KFKGTIILTA[Val87=]YFALSISLHV

ClinVar aggregate classification (germline): Benign. Review status: criteria provided, multiple submitters, no conflicts (2 of 4 stars). 9 submissions from 9 submitters: Benign (8). 1 of the submissions does not count toward it. Last evaluated 2026-02-02.

Conditions:
Joubert syndrome 16 (JBTS16). Identifiers: Orphanet 2318, MedGen C3280906, MONDO:0013764, OMIM 614465.

Allele frequency attached by ClinVar (database versions not stated): gnomAD exomes 0.00400 and 0.00834; ExAC 0.00956; gnomAD 0.01830 and 0.01861; ESP Exome Variant Server 0.01922; TOPMed 0.01958; 1000 Genomes Project 0.02256; 1000 Genomes Project 30x 0.02295.
gnomAD v4.1: 8,942 of 1,614,164 alleles (0.55%); highest among the groups gnomAD compares: African/African-American, 5.7%; 197 homozygotes.

Submissions (9):

Labcorp Genetics (formerly Invitae), Labcorp
Classification: Benign for Joubert syndrome 16. Last evaluated: 2026-02-02. Review status: criteria provided, single submitter. Criteria: Invitae Variant Classification Sherloc (09022015). Collection method: clinical testing. Allele origin: germline.

Mayo Clinic Laboratories, Mayo Clinic
Classification: Benign. Last evaluated: 2023-04-03. Review status: criteria provided, single submitter. Criteria: ACMG Guidelines, 2015. Collection method: clinical testing. Allele origin: germline. Observed: 3 variant alleles.

Illumina Laboratory Services, Illumina
Classification: Benign for Joubert syndrome 16. Last evaluated: 2018-01-12. Review status: criteria provided, single submitter. Criteria: ICSL Variant Classification Criteria 13 December 2019. Collection method: clinical testing. Allele origin: germline.
Comment: This variant was observed in the ICSL laboratory as part of a predisposition screen in an ostensibly healthy population. It had not been previously curated by ICSL or reported in the Human Gene Mutation Database (HGMD: prior to June 1st, 2018), and was therefore a candidate for classification through an automated scoring system. Utilizing variant allele frequency, disease prevalence and penetrance estimates, and inheritance mode, an automated score was calculated to assess if this variant is too frequent to cause the disease. Based on the score and internal cut-off values, a variant classified as benign is not then subjected to further curation. The score for this variant resulted in a classification of benign for this disease.

Clinical Genetics DNA and cytogenetics Diagnostics Lab, Erasmus MC, Erasmus Medical Center
Classification: Benign for Joubert syndrome 16. Last evaluated: 2015-09-21. Review status: criteria provided, single submitter. Criteria: ACGS Guidelines, 2013. Collection method: clinical testing. Allele origin: germline. Affected: yes. Study: VKGL Data-share Consensus.

Genome Diagnostics Laboratory, University Medical Center Utrecht
Classification: Benign for Joubert syndrome 16. Last evaluated: 2014-10-10. Review status: criteria provided, single submitter. Criteria: ACGS Guidelines, 2013. Collection method: clinical testing. Allele origin: germline. Affected: yes. Study: VKGL Data-share Consensus.

GeneDx
Classification: Benign. Last evaluated: 2013-12-20. Review status: criteria provided, single submitter. Criteria: GeneDx Variant Classification (06012015). Collection method: clinical testing. Allele origin: germline. Affected: yes.
Comment: This variant is considered likely benign or benign based on one or more of the following criteria: it is a conservative change, it occurs at a poorly conserved position in the protein, it is predicted to be benign by multiple in silico algorithms, and/or has population frequency not consistent with disease.

Breakthrough Genomics
Classification: Benign. Review status: criteria provided, single submitter. Criteria: ACMG Guidelines, 2015. Collection method: not provided. Allele origin: germline. Inheritance: Autosomal recessive inheritance. Affected: yes.

PreventionGenetics, part of Exact Sciences
Classification: Benign. Review status: criteria provided, single submitter. Criteria: ACMG Guidelines, 2015. Collection method: clinical testing. Allele origin: germline.

Genetic Services Laboratory, University of Chicago
Classification: Likely benign for AllHighlyPenetrant. Review status: no assertion criteria provided. Collection method: clinical testing. Allele origin: germline. Inheritance: Autosomal recessive inheritance. Not counted in ClinVar's aggregate classification.
Comment: Likely benign based on allele frequency in 1000 Genomes Project or ESP global frequency and its presence in a patient with a rare or unrelated disease phenotype. NOT Sanger confirmed.